The following is an entry in ClinVar:

NM_000053.4(ATP7B):c.1544-3C>G

Gene: ATP7B (ATPase copper transporting beta; minus strand). Cytogenetic location: 13q14.3.
Variant type: single nucleotide variant.
Coding change: c.1544-3C>G on transcript NM_000053.4 (MANE Select); 3 bases into the intron before coding-DNA position 1544, C replaced by G.
Molecular consequence: intron variant.
Genome position (GRCh38, 1-based): chr13:51,968,610, G>C on the plus strand (C>G on the coding strand, the complement: ATP7B is on the minus strand). VCF-style: chr13-51968610-G-C. GRCh37 (hg19) VCF-style: chr13-52542746-G-C.
Other names: c.1544-3C>G (NM_001406541.1, NM_001406531.1, NM_001406527.1 and 26 more transcripts); c.1448-3C>G (NM_001406543.1, NM_001406518.1, NM_001406544.1 and 3 more transcripts); c.1211-3C>G (NM_001243182.2); c.1285+5325C>G (NM_001406548.1); c.1544-36C>G (NM_001406524.1, NM_001406514.1); c.1115-3C>G (NM_001406539.1).
Identifiers: ClinVar variation 3731361 (VCV003731361.2).

ClinVar aggregate classification (germline): Uncertain significance. Review status: criteria provided, multiple submitters, no conflicts (2 of 4 stars). 2 submissions from 2 submitters: Uncertain significance (2). Last evaluated 2024-10-29.

Conditions:
Wilson disease (WND). Also called: Wilson's disease. Identifiers: Orphanet 905, MedGen C0019202, MONDO:0010200, OMIM 277900. Disease mechanism: loss of function.

Submissions (2):

Dr. Moinak Lab, Sanjay Gandhi Postgraduate Institute of Medical Sciences
Classification: Uncertain significance for Wilson disease. Last evaluated: 2024-10-29. Review status: criteria provided, single submitter. Criteria: ACMG Guidelines, 2015. Collection method: clinical testing. Allele origin: germline. Inheritance: Autosomal recessive inheritance. Affected: yes.
Comment: ATP7B: c.1544-3C>G is a intronic variant involving a single nucleotide substitution from C to G at the -3 position of intron 5. This change occurs near the canonical splice acceptor site and may potentially disrupt normal splicing, although its functional impact remains to be experimentally validated

Neuberg Centre For Genomic Medicine, NCGM
Classification: Uncertain significance for Wilson disease. Last evaluated: 2023-06-22. Review status: criteria provided, single submitter. Criteria: ACMG Guidelines, 2015. Collection method: clinical testing. Allele origin: germline. Inheritance: Autosomal recessive inheritance. Affected: yes.
Comment: The observed splice region c.1544-3C>G variant in ATP7B gene has not been reported previously as a pathogenic variant nor as a benign variant, to our knowledge. This variant is absent in gnomAD Exomes. This splice region variant in intron 3 affects the position three nucleotides upstream of exon 4. The spliceAI tool predicts that this splice site variant is damaging. However, study of the variant in multiple affected individuals and its functional impact on the protein is required to determine the pathogenicity of the variant. For these reasons, this variant has been classified as Uncertain Significance.